The following is an entry in ClinVar:

NM_000535.7(PMS2):c.2481G>T (p.Met827Ile)

Gene: PMS2 (PMS1 homolog 2, mismatch repair system component; minus strand). Cytogenetic location: 7p22.1.
Variant type: single nucleotide variant.
Coding change: c.2481G>T on transcript NM_000535.7 (MANE Select); coding-DNA position 2481, G replaced by T.
Protein change: p.Met827Ile; replaces methionine 827 with isoleucine.
Molecular consequence: missense variant. On other transcripts: non-coding transcript variant (1).
Genome position (GRCh38, 1-based): chr7:5,973,507, C>A on the plus strand (G>T on the coding strand, the complement: PMS2 is on the minus strand). VCF-style: chr7-5973507-C-A. GRCh37 (hg19) VCF-style: chr7-6013138-C-A.
Other names: c.2076G>T, p.Met692Ile (NM_001322003.2, NM_001322004.2, NM_001322005.2 and 11 more transcripts); c.2325G>T, p.Met775Ile (NM_001322006.2); c.2163G>T, p.Met721Ile (NM_001322007.2, NM_001322008.2, NM_001406883.1); c.2109G>T, p.Met703Ile (NM_001322009.2, NM_001406887.1, NM_001406888.1); c.1920G>T, p.Met640Ile (NM_001322010.2, NM_001406906.1, NM_001406907.1); c.1548G>T, p.Met516Ile (NM_001322011.2, NM_001322012.2); c.1908G>T, p.Met636Ile (NM_001322013.2, NM_001406908.1, NM_001406909.1); c.2514G>T, p.Met838Ile (NM_001322014.2); and 20 more; short protein forms M426I, M692I, M732I, M735I, M786I, M791I, M827I, M889I.
Identifiers: ClinVar variation 4667005 (VCV004667005.1).

ClinVar aggregate classification (germline): Uncertain significance (1 of 4 stars; one submission).

Conditions:
Hereditary cancer-predisposing syndrome. Also called: Neoplastic Syndromes, Hereditary; Tumor predisposition; Hereditary Cancer Syndrome; Hereditary neoplastic syndrome. Identifiers: Orphanet 140162, MedGen C0027672, MeSH D009386, MONDO:0015356.

Submission:

Ambry Genetics
Classification: Uncertain significance for Hereditary cancer-predisposing syndrome. Last evaluated: 2025-10-13. Review status: criteria provided, single submitter. Criteria: Ambry Variant Classification Scheme 2023. Collection method: clinical testing. Allele origin: germline.
Comment: The p.M827I variant (also known as c.2481G>T), located in coding exon 15 of the PMS2 gene, results from a G to T substitution at nucleotide position 2481. The methionine at codon 827 is replaced by isoleucine, an amino acid with highly similar properties. This amino acid position is conserved. In addition, this alteration is predicted to be deleterious by in silico analysis. Based on the available evidence, the clinical significance of this variant remains unclear.